The following is an entry in ClinVar:

NM_000303.3(PMM2):c.24del (p.Cys9fs)

Gene: PMM2 (phosphomannomutase 2; plus strand). Cytogenetic location: 16p13.2.
Variant type: Deletion.
Coding change: c.24del on transcript NM_000303.3 (MANE Select); coding-DNA position 24, one base deleted (C; older notation c.24delC).
Protein change: p.Cys9fs; shifts the reading frame from cysteine 9.
Molecular consequence: frameshift variant.
Genome position (GRCh38, 1-based): chr16:8,797,906, C deleted. VCF-style (leftmost placement, unchanged base first): chr16-8797905-TC-T. GRCh37 (hg19) VCF-style: chr16-8891762-TC-T.
Other names: c.24del (NM_000303.2); c.24delC (NM_000303.3); short protein forms C9fs.
Identifiers: ClinVar variation 188744 (VCV000188744.65), dbSNP rs768021123, ClinGen allele CA273902.

ClinVar aggregate classification (germline): Pathogenic. Review status: criteria provided, multiple submitters, no conflicts (2 of 4 stars). 12 submissions from 12 submitters: Pathogenic (11). 1 of the submissions does not count toward it. Last evaluated 2026-08-22.

Conditions:
PMM2-related disorder. Also called: PMM2-related condition.
PMM2-congenital disorder of glycosylation. Also called: PMM2-CDG; CDG Ia; JAEKEN SYNDROME; PHOSPHOMANNOMUTASE 2 DEFICIENCY; Congenital disorder of glycosylation, type Ia; CARBOHYDRATE-DEFICIENT GLYCOPROTEIN SYNDROME, TYPE Ia. Identifiers: Orphanet 79318, MedGen C0349653, MONDO:0008907, OMIM 212065.

Allele frequency attached by ClinVar (database versions not stated): ExAC 0.00002; gnomAD exomes 0.00002; gnomAD 0.00004; TOPMed 0.00004.

Submissions (12):

PreventionGenetics, part of Exact Sciences
Classification: Pathogenic for PMM2-related condition. Last evaluated: 2026-08-22. Review status: criteria provided, single submitter. Criteria: ACMG Guidelines, 2015. Collection method: clinical testing. Allele origin: germline.
Comment: The PMM2 c.24delC variant is predicted to result in a frameshift and premature protein termination (p.Cys9Alafs*27). This variant has been reported in individuals with autosomal recessive congenital disorder of glycosylation 1a (Matthijs et al. 2000. PubMed ID: 11058895; Jamroz et al. 2009. PubMed ID: 19168813; Westphal et al. 2001. PubMed ID: 11715002). This variant is reported in 0.0037% of alleles in individuals of European (non-Finnish) descent in gnomAD and is classified as pathogenic in ClinVar (Variation ID: 188744). Frameshift variants in PMM2 are expected to be pathogenic. This variant is interpreted as pathogenic.

Labcorp Genetics (formerly Invitae), Labcorp
Classification: Pathogenic for PMM2-congenital disorder of glycosylation. Last evaluated: 2026-01-15. Review status: criteria provided, single submitter. Criteria: Invitae Variant Classification Sherloc (09022015). Collection method: clinical testing. Allele origin: germline.
Comment: This sequence change creates a premature translational stop signal (p.Cys9Alafs*27) in the PMM2 gene. It is expected to result in an absent or disrupted protein product. Loss-of-function variants in PMM2 are known to be pathogenic (PMID: 19862844). This variant is present in population databases (rs768021123, gnomAD 0.004%). This premature translational stop signal has been observed in individuals with congenital disorder of glycosylation (PMID: 11058895, 12297897, 18093857, 19168813). ClinVar contains an entry for this variant (Variation ID: 188744). For these reasons, this variant has been classified as Pathogenic.

Natera, Inc.
Classification: Pathogenic for Congenital disorder of glycosylation type 1a. Last evaluated: 2025-11-05. Review status: criteria provided, single submitter. Criteria: Natera Variant Classification Schema (03/2026). Collection method: clinical testing. Allele origin: germline.
Comment: The c.24delC variant in PMM2 is a frameshift variant predicted to shift the reading frame beginning at codon 9 and leads to a stop codon 27 codons downstream. This variant is expected to result in nonsense mediated decay, truncation, or a dysfunctional protein product. This variant is rare in the general population with a frequency below the threshold expected for the associated phenotype(s). This variant has been observed in one or more individuals affected with the associated recessive disease, as either homozygous or compound heterozygous with a second variant (PMID: 15844218). Given the available evidence, this variant is classified as Pathogenic.

Variantyx, Inc.
Classification: Pathogenic for PMM2-congenital disorder of glycosylation. Last evaluated: 2025-03-26. Review status: criteria provided, single submitter. Criteria: Variantyx Assertion Criteria 2022. Collection method: clinical testing. Allele origin: germline. Inheritance: Autosomal recessive inheritance.
Comment: This is a frameshift variant in the PMM2 gene (OMIM: 601785). Pathogenic variants in this gene have been associated with autosomal recessive congenital disorder of glycosylation type Ia. This variant introduces a premature termination codon in exon 1 out of 8. It is expected to result in loss of function, which is a known disease mechanism for PMM2 in this disorder (PMID: 33643843, 34682117, 33663989) (PVS1). This variant has been reported in the homozygous or compound heterozygous state in several unrelated affected individuals (PMID: 12297897, 18093857, 19168813, 33643843, 34682117, 33663989) (PM3). This variant has a 0.0031% maximum allele frequency in non-founder control populations (PM2). Based on the current evidence, this variant is classified as pathogenic for autosomal recessive congenital disorder of glycosylation type Ia.

Revvity Omics, Revvity
Classification: Pathogenic for PMM2-congenital disorder of glycosylation. Last evaluated: 2025-03-20. Review status: criteria provided, single submitter. Criteria: ACMG Guidelines, 2015. Collection method: clinical testing. Allele origin: germline.

Fulgent Genetics
Classification: Pathogenic for PMM2-congenital disorder of glycosylation. Last evaluated: 2024-05-01. Review status: criteria provided, single submitter. Criteria: ACMG Guidelines, 2015. Collection method: clinical testing. Allele origin: germline.

GeneDx
Classification: Pathogenic. Last evaluated: 2023-08-11. Review status: criteria provided, single submitter. Criteria: GeneDx Variant Classification Process June 2021. Collection method: clinical testing. Allele origin: germline. Affected: yes.
Comment: Published functional studies demonstrate a damaging effect of reduction of PMM activity to negative control level (PMID: 11715002); Frameshift variant predicted to result in protein truncation or nonsense mediated decay in a gene for which loss-of-function is a known mechanism of disease; Not observed at significant frequency in large population cohorts (gnomAD); This variant is associated with the following publications: (PMID: 12297897, 12529711, 11058895, 18093857, 33643843, 19168813, 11715002, 15844218)

CeGaT Center for Human Genetics Tuebingen
Classification: Pathogenic. Last evaluated: 2022-06-01. Review status: criteria provided, single submitter. Criteria: CeGaT Center For Human Genetics Tuebingen Variant Classification Criteria Version 2. Collection method: clinical testing. Allele origin: germline. Affected: yes. Observed: 3 variant alleles.
Comment: PMM2: PM3:Strong, PVS1:Strong, PM2

Institute for Clinical Genetics, University Hospital TU Dresden, University Hospital TU Dresden
Classification: Pathogenic. Last evaluated: 2021-11-03. Review status: criteria provided, single submitter. Criteria: ACMG Guidelines, 2015. Collection method: clinical testing. Allele origin: germline.

Institute of Human Genetics, Heidelberg University
Classification: Pathogenic for PMM2-congenital disorder of glycosylation. Last evaluated: 2021-08-23. Review status: criteria provided, single submitter. Criteria: ACMG Guidelines, 2015. Collection method: clinical testing. Allele origin: paternal. Affected: yes.

Women's Health and Genetics/Laboratory Corporation of America, LabCorp
Classification: Pathogenic for Carbohydrate-deficient glycoprotein syndrome type I. Last evaluated: 2018-07-27. Review status: criteria provided, single submitter. Criteria: LabCorp Variant Classification Summary - May 2015. Collection method: clinical testing. Allele origin: germline.
Comment: Variant summary: PMM2 c.24delC (p.Cys9AlafsX27) results in a premature termination codon, predicted to cause a truncation of the encoded protein or absence of the protein due to nonsense mediated decay, which are commonly known mechanisms for disease. The variant allele was found at a frequency of 1.7e-05 in 236838 control chromosomes. c.24delC has been reported in the literature in individuals affected with Congenital Disorder of Glycosylation Type 1a (Arnoux_2008, Le Bizec_2005, Schollen_2002, Westphal_2001). These data indicate that the variant is likely to be associated with disease. At least one publication reports experimental evidence evaluating an impact on protein function, which showed the variant to have <10% enzyme activity in a yeast expression system (Westphal_2001). No clinical diagnostic laboratories have submitted clinical-significance assessments for this variant to ClinVar after 2014. Based on the evidence outlined above, the variant was classified as pathogenic.

Counsyl
Classification: Likely pathogenic for Carbohydrate-deficient glycoprotein syndrome type I. Last evaluated: 2014-04-04. Review status: no assertion criteria provided. Collection method: literature only. Allele origin: unknown. Inheritance: Autosomal recessive inheritance. Not counted in ClinVar's aggregate classification.

Literature cited by the submitters: PubMed 19862844 (cited by Labcorp Genetics (formerly Invitae), Labcorp); PubMed 11058895 (cited by Labcorp Genetics (formerly Invitae), Labcorp and Counsyl); PubMed 12297897 (cited by 3 submitters); PubMed 18093857 (cited by 4 submitters); PubMed 19168813 (cited by 3 submitters); PubMed 15844218 (cited by Natera, Inc. and Women's Health and Genetics/Laboratory Corporation of America, LabCorp); PubMed 33643843 (cited by Variantyx, Inc.); PubMed 34682117 (cited by Variantyx, Inc.); PubMed 33663989 (cited by Variantyx, Inc.); PubMed 12529711 (cited by Women's Health and Genetics/Laboratory Corporation of America, LabCorp); PubMed 11715002 (cited by Women's Health and Genetics/Laboratory Corporation of America, LabCorp).